The following is an entry in ClinVar:

ClinVar aggregate classification (germline): Likely benign (1 of 4 stars; one submission).

Conditions:
SLCO1B3-related disorder. Also called: SLCO1B3-related condition.

Submission:

PreventionGenetics, part of Exact Sciences
Classification: Likely benign for SLCO1B3-related condition. Last evaluated: 2026-02-09. Review status: criteria provided, single submitter. Criteria: ACMG Guidelines, 2015. Collection method: clinical testing. Allele origin: germline.
Comment: This variant is classified as likely benign based on ACMG/AMP sequence variant interpretation guidelines (Richards et al. 2015 PMID: 25741868, with internal and published modifications).

NM_019844.4(SLCO1B3):c.657T>C (p.Gly219=)

Genes: SLCO1B3 (solute carrier organic anion transporter family member 1B3; plus strand), SLCO1B3-SLCO1B7 (SLCO1B3-SLCO1B7 readthrough; plus strand). Cytogenetic location: 12p12.2.
Variant type: single nucleotide variant.
Coding change: c.657T>C on transcript NM_019844.4 (MANE Select); coding-DNA position 657, T replaced by C.
Protein change: p.Gly219=; no amino-acid change (glycine 219 retained).
Molecular consequence: synonymous variant.
Genome position (GRCh38, 1-based): chr12:20,862,784, T>C. VCF-style: chr12-20862784-T-C. GRCh37 (hg19) VCF-style: chr12-21015718-T-C.
Other names: c.657T>C, p.Gly219= (NM_001371097.1); c.573T>C, p.Gly191= (NM_001349920.2).
Identifiers: ClinVar variation 4984823 (VCV004984823.1).